The following is an entry in ClinVar:

ClinVar aggregate classification (germline): Pathogenic. Review status: reviewed by expert panel (3 of 4 stars). 20 submissions from 19 submitters: Pathogenic (1). 19 of the submissions do not count toward it. Last evaluated 2017-03-17.

Conditions:
CFTR-related disorder (CFTR-RD). Also called: CFTR-related condition; CFTR-related disorders. Identifiers: MedGen C5924204, MONDO:7770004.
Congenital bilateral aplasia of vas deferens from CFTR mutation (CBAVD). Identifiers: Orphanet 48, MedGen C0403814, MONDO:0010178, OMIM 277180. Disease mechanism: loss of function.
Cystic fibrosis (CF). Also called: MUCOVISCIDOSIS. Identifiers: Orphanet 586, MedGen C0010674, MONDO:0009061, OMIM 219700. Disease mechanism: loss of function.
Hereditary pancreatitis (PCTT). Also called: Hereditary chronic pancreatitis; PRSS1-Related Hereditary Pancreatitis. Identifiers: Orphanet 676, MedGen C0238339, MONDO:0008185, OMIM 167800.
Bronchiectasis with or without elevated sweat chloride 1 (BESC1). Also called: Cystic Fibrosis-Like Syndrome. Identifiers: Orphanet 60033, MedGen C2749757, MONDO:0008887, OMIM 211400.

Allele frequency attached by ClinVar (database versions not stated): gnomAD exomes 0.00001 and 0.00002; gnomAD 0.00002; TOPMed below 0.00001; ExAC 0.00001.

Submissions 1 to 13 of 20:

CFTR2
Classification: Pathogenic for Cystic fibrosis. Last evaluated: 2017-03-17. Review status: reviewed by expert panel. Criteria: Sosnay PR et al. (Nat Genet 2013). Collection method: research. Allele origin: germline. Affected: yes. Study: CFTR2.

Labcorp Genetics (formerly Invitae), Labcorp
Classification: Pathogenic for Cystic fibrosis. Last evaluated: 2026-01-18. Review status: criteria provided, single submitter. Criteria: Invitae Variant Classification Sherloc (09022015). Collection method: clinical testing. Allele origin: germline. Not counted in ClinVar's aggregate classification.
Comment: This sequence change replaces methionine, which is neutral and non-polar, with lysine, which is basic and polar, at codon 1101 of the CFTR protein (p.Met1101Lys). This variant is present in population databases (rs36210737, gnomAD 0.004%). This missense change has been observed in individual(s) with cystic fibrosis (PMID: 7680525, 9383031, 9439669, 10439967, 17901983, 22981120, 23974870). It is commonly reported in individuals of Hutterite ancestry (PMID: 7680525, 9383031, 9439669, 10439967, 17901983, 22981120, 23974870). ClinVar contains an entry for this variant (Variation ID: 39516). Invitae Evidence Modeling of protein sequence and biophysical properties (such as structural, functional, and spatial information, amino acid conservation, physicochemical variation, residue mobility, and thermodynamic stability) indicates that this missense variant is expected to disrupt CFTR protein function with a positive predictive value of 80%. For these reasons, this variant has been classified as Pathogenic.

Natera, Inc.
Classification: Pathogenic for CFTR-related disorders. Last evaluated: 2025-11-18. Review status: criteria provided, single submitter. Criteria: Natera Variant Classification Schema (03/2026). Collection method: clinical testing. Allele origin: germline. Not counted in ClinVar's aggregate classification.
Comment: The c.3302T>A variant in CFTR is a missense variant predicted to cause substitution of methionine to lysine at amino acid 1101. This variant is rare in the general population with a frequency below the threshold expected for the associated phenotype(s). This variant has been observed in one or more individuals affected with the associated recessive disease, as either homozygous or compound heterozygous with a second variant (PMID: 22981120, 30888834). Given the available evidence, this variant is classified as Pathogenic.

CeGaT Center for Human Genetics Tuebingen
Classification: Pathogenic. Last evaluated: 2024-10-01. Review status: criteria provided, single submitter. Criteria: CeGaT Center For Human Genetics Tuebingen Variant Classification Criteria Version 2. Collection method: clinical testing. Allele origin: germline. Affected: yes. Observed: 1 variant allele. Not counted in ClinVar's aggregate classification.
Comment: CFTR: PM3:Very Strong, PP1:Strong, PM2, PM5

Blueprint Genetics
Classification: Pathogenic for CFTR-related disorders. Last evaluated: 2024-04-19. Review status: criteria provided, single submitter. Criteria: ACMG Guidelines, 2015. Collection method: clinical testing. Allele origin: germline. Affected: yes. Observed: 5 variant alleles. Not counted in ClinVar's aggregate classification.

Baylor Genetics
Classification: Pathogenic for Bronchiectasis with or without elevated sweat chloride 1. Last evaluated: 2022-10-13. Review status: criteria provided, single submitter. Criteria: ACMG Guidelines, 2015. Collection method: clinical testing. Allele origin: unknown. Not counted in ClinVar's aggregate classification.

Ambry Genetics
Classification: Pathogenic for Cystic fibrosis. Last evaluated: 2022-06-13. Review status: criteria provided, single submitter. Criteria: Ambry Variant Classification Scheme 2023. Collection method: clinical testing. Allele origin: germline. Not counted in ClinVar's aggregate classification.
Comment: The p.M1101K pathogenic mutation (also known as c.3302T>A), located in coding exon 20 of the CFTR gene, results from a T to A substitution at nucleotide position 3302. The methionine at codon 1101 is replaced by lysine, an amino acid with similar properties. In one study, this mutation was identified in three homozygous individuals with elevated sweat chloride levels; two of these individuals were pancreatic insufficient (Stanke F et al. J. Med. Genet., 2008 Jan;45:47-54). This mutation is associated with decreased lung function, elevated sweat chloride levels, and pancreatic insufficiency (Sosnay PR et al. Nat. Genet., 2013 Oct;45:1160-7). Based on the supporting evidence, this alteration is interpreted as a disease-causing mutation.

Fulgent Genetics
Classification: Pathogenic for Hereditary pancreatitis; Bronchiectasis with or without elevated sweat chloride 1; Cystic fibrosis; Congenital bilateral aplasia of vas deferens from CFTR mutation. Last evaluated: 2022-02-25. Review status: criteria provided, single submitter. Criteria: ACMG Guidelines, 2015. Collection method: clinical testing. Allele origin: unknown. Not counted in ClinVar's aggregate classification.

Johns Hopkins Genomics, Johns Hopkins University
Classification: Pathogenic for Cystic fibrosis. Last evaluated: 2020-04-22. Review status: criteria provided, single submitter. Criteria: ACMG Guidelines, 2015. Collection method: clinical testing. Allele origin: germline. Not counted in ClinVar's aggregate classification.
Comment: Disease-causing CFTR variant. See CFTR2 for phenotype information.

Myriad Genetics, Inc.
Classification: Pathogenic for Cystic fibrosis. Last evaluated: 2019-12-04. Review status: criteria provided, single submitter. Criteria: Myriad Women's Health Autosomal Recessive and X-Linked Classification Criteria (2019). Collection method: clinical testing. Allele origin: unknown. Not counted in ClinVar's aggregate classification.
Comment: NM_000492.3(CFTR):c.3302T>A(M1101K) is classified as pathogenic in the context of cystic fibrosis. Sources cited for classification include the following: PMID 7680525, 23974870 and 18456578. Classification of NM_000492.3(CFTR):c.3302T>A(M1101K) is based on the following criteria: This is a well-established pathogenic variant in the literature that has been observed more frequently in patients with clinical diagnoses than in healthy populations. Please note: this variant was assessed in the context of healthy population screening.

Women's Health and Genetics/Laboratory Corporation of America, LabCorp
Classification: Pathogenic. Last evaluated: 2018-12-06. Review status: criteria provided, single submitter. Criteria: LabCorp Variant Classification Summary - May 2015. Collection method: clinical testing. Allele origin: germline. Not counted in ClinVar's aggregate classification.
Comment: Variant summary: CFTR c.3302T>A (p.Met1101Lys) results in a non-conservative amino acid change located in the ABC transporter type 1, transmembrane domain of the encoded protein sequence. Four of five in-silico tools predict a damaging effect of the variant on protein function. The variant allele was found at a frequency of 1.6e-05 in 245882 control chromosomes (gnomAD). c.3302T>A has been reported in the literature in multiple individuals affected with Cystic Fibrosis (Chong_2012, Hirtz_2004, Heim_2001, Hogenauer_2001, Larriba_2001, Liechti-Gallati_1999, Stuhrmann_1997, Zielenski_1993). These data indicate that the variant is very likely to be associated with disease. Experimental evidence evaluating an impact on protein function, demonstrated that expression of the variant inhibits the biosynthetic maturation of CFTR and causes its retention in the endoplasmic reticulum (Seibert_1996). Three ClinVar submissions from clinical diagnostic laboratories and reputable databases (evaluation after 2014) cite the variant as pathogenic. Based on the evidence outlined above, the variant was classified as pathogenic.

Mendelics
Classification: Pathogenic for Cystic fibrosis. Last evaluated: 2018-11-05. Review status: criteria provided, single submitter. Criteria: Mendelics Assertion Criteria 2017. Collection method: clinical testing. Allele origin: unknown. Affected: yes. Not counted in ClinVar's aggregate classification.

CFTR-France
Classification: Pathogenic for cystic fibrosis. Last evaluated: 2018-01-29. Review status: criteria provided, single submitter. Criteria: Claustres M et al. (Hum Mutat 2017). Collection method: curation. Allele origin: germline. Affected: yes. Not counted in ClinVar's aggregate classification.

NM_000492.4(CFTR):c.3302T>A (p.Met1101Lys)

Genes: CFTR (CF transmembrane conductance regulator; plus strand), CFTR-AS2 (CFTR antisense RNA 2; minus strand), LOC111674472 (DNase I hypersensitive sites in introns 16 and 17a of CFTR; plus strand). Cytogenetic location: 7q31.2.
Variant type: single nucleotide variant.
Coding change: c.3302T>A on transcript NM_000492.4 (MANE Select); coding-DNA position 3302, T replaced by A.
Protein change: p.Met1101Lys; replaces methionine 1101 with lysine.
Molecular consequence: missense variant.
Genome position (GRCh38, 1-based): chr7:117,611,743, T>A. VCF-style: chr7-117611743-T-A. GRCh37 (hg19) VCF-style: chr7-117251797-T-A.
Other names: CFTR, MET1101LYS (rs36210737); short protein forms M1101K.
Identifiers: ClinVar variation 39516 (VCV000039516.56), dbSNP rs36210737, ClinGen allele CA221025.